The following is an entry in ClinVar:

ClinVar aggregate classification (germline): Uncertain significance. Review status: criteria provided, multiple submitters, no conflicts (2 of 4 stars). 2 submissions from 2 submitters: Uncertain significance (2). Last evaluated 2025-02-09.

Conditions:
Inborn genetic diseases. Identifiers: MedGen C0950123, MeSH D030342.
ALG12-congenital disorder of glycosylation (CDG1G). Also called: CDG Ig; ALG12-CDG; Congenital disorder of glycosylation, type Ig. Identifiers: Orphanet 79324, MedGen C2931001, MONDO:0011783, OMIM 607143.

Allele frequency attached by ClinVar (database versions not stated): ExAC 0.00001; gnomAD 0.00002; gnomAD exomes 0.00002; TOPMed 0.00007; ESP Exome Variant Server 0.00031.
gnomAD v4.1: 109 of 1,614,100 alleles (0.0068%); highest among the groups gnomAD compares: Non-Finnish European, 0.0088%; no homozygotes.

Submissions (2):

Ambry Genetics
Classification: Uncertain significance for Inborn genetic diseases. Last evaluated: 2025-02-09. Review status: criteria provided, single submitter. Criteria: Ambry Variant Classification Scheme 2023. Collection method: clinical testing. Allele origin: germline.

Labcorp Genetics (formerly Invitae), Labcorp
Classification: Uncertain significance for ALG12-congenital disorder of glycosylation. Last evaluated: 2024-10-16. Review status: criteria provided, single submitter. Criteria: Invitae Variant Classification Sherloc (09022015). Collection method: clinical testing. Allele origin: germline.
Comment: This sequence change replaces arginine, which is basic and polar, with lysine, which is basic and polar, at codon 378 of the ALG12 protein (p.Arg378Lys). This variant is present in population databases (rs148798409, gnomAD 0.004%). This variant has not been reported in the literature in individuals affected with ALG12-related conditions. ClinVar contains an entry for this variant (Variation ID: 1434863). Invitae Evidence Modeling of protein sequence and biophysical properties (such as structural, functional, and spatial information, amino acid conservation, physicochemical variation, residue mobility, and thermodynamic stability) indicates that this missense variant is not expected to disrupt ALG12 protein function with a negative predictive value of 80%. In summary, the available evidence is currently insufficient to determine the role of this variant in disease. Therefore, it has been classified as a Variant of Uncertain Significance.

NM_024105.4(ALG12):c.1133G>A (p.Arg378Lys)

Gene: ALG12 (ALG12 alpha-1,6-mannosyltransferase; minus strand). Cytogenetic location: 22q13.33.
Variant type: single nucleotide variant.
Coding change: c.1133G>A on transcript NM_024105.4 (MANE Select); coding-DNA position 1133, G replaced by A.
Protein change: p.Arg378Lys; replaces arginine 378 with lysine.
Molecular consequence: missense variant.
Genome position (GRCh38, 1-based): chr22:49,904,366, C>T on the plus strand (G>A on the coding strand, the complement: ALG12 is on the minus strand). VCF-style: chr22-49904366-C-T. GRCh37 (hg19) VCF-style: chr22-50298014-C-T.
Other names: c.1133G>A (NM_024105.3); short protein forms R378K.
Identifiers: ClinVar variation 1434863 (VCV001434863.5), dbSNP rs148798409, ClinGen allele CA10300338.